The following is an entry in ClinVar:

ClinVar aggregate classification (germline): Benign. Review status: criteria provided, multiple submitters, no conflicts (2 of 4 stars). 4 submissions from 4 submitters: Benign (4). Last evaluated 2026-01-27.

Conditions:
Kidney disorder. Also called: Kidney disease; Kidney Diseases; Nephropathy; renal disorder; renal disease. Identifiers: MedGen C0022658, MONDO:0005240, HP:0000112.

Allele frequency attached by ClinVar (database versions not stated): gnomAD exomes 0.00161 and 0.00467; ExAC 0.00575; gnomAD 0.01696 and 0.01807; ESP Exome Variant Server 0.01853; 1000 Genomes Project 0.01857; TOPMed 0.01872; 1000 Genomes Project 30x 0.01952.
gnomAD v4.1: 4,996 of 1,613,154 alleles (0.31%); highest among the groups gnomAD compares: African/African-American, 5.9%; 156 homozygotes.

Submissions (20):

Labcorp Genetics (formerly Invitae), Labcorp
Classification: Benign. Last evaluated: 2026-01-27. Review status: criteria provided, single submitter. Criteria: Invitae Variant Classification Sherloc (09022015). Collection method: clinical testing. Allele origin: germline.

Mayo Clinic Laboratories, Mayo Clinic
Classification: Benign. Last evaluated: 2019-01-21. Review status: criteria provided, single submitter. Criteria: ACMG Guidelines, 2015. Collection method: clinical testing. Allele origin: germline. Observed: 12 variant alleles.

Genome Diagnostics Laboratory, The Hospital for Sick Children
Classification: Benign for Kidney disorder. Last evaluated: 2016-12-12. Review status: criteria provided, single submitter. Criteria: ACMG Guidelines, 2015. Collection method: clinical testing. Allele origin: germline.

GeneDx
Classification: Benign. Last evaluated: 2016-05-12. Review status: criteria provided, single submitter. Criteria: GeneDx Variant Classification (06012015). Collection method: clinical testing. Allele origin: germline. Affected: yes.
Comment: This variant is considered likely benign or benign based on one or more of the following criteria: it is a conservative change, it occurs at a poorly conserved position in the protein, it is predicted to be benign by multiple in silico algorithms, and/or has population frequency not consistent with disease.

Dr. Peter K. Rogan Lab, Western University
No classification provided (evidence only). Condition: Lung cancer. Review status: no classification provided. Collection method: in vitro. Allele origin: not applicable. Functional consequence: retained intron. Not counted in ClinVar's aggregate classification.

Dr. Peter K. Rogan Lab, Western University
No classification provided (evidence only). Condition: Lung cancer. Review status: no classification provided. Collection method: in vitro. Allele origin: not applicable. Functional consequence: retained intron. Not counted in ClinVar's aggregate classification.

Dr. Peter K. Rogan Lab, Western University
No classification provided (evidence only). Condition: Acute myeloid leukemia. Review status: no classification provided. Collection method: in vitro. Allele origin: not applicable. Functional consequence: retained intron. Not counted in ClinVar's aggregate classification.

Dr. Peter K. Rogan Lab, Western University
No classification provided (evidence only). Condition: Uterine corpus endometrial carcinoma. Review status: no classification provided. Collection method: in vitro. Allele origin: not applicable. Functional consequence: retained intron. Not counted in ClinVar's aggregate classification.

Dr. Peter K. Rogan Lab, Western University
No classification provided (evidence only). Condition: Uterine corpus endometrial carcinoma. Review status: no classification provided. Collection method: in vitro. Allele origin: not applicable. Functional consequence: retained intron. Not counted in ClinVar's aggregate classification.

Dr. Peter K. Rogan Lab, Western University
No classification provided (evidence only). Condition: Uterine corpus endometrial carcinoma. Review status: no classification provided. Collection method: in vitro. Allele origin: not applicable. Functional consequence: retained intron. Not counted in ClinVar's aggregate classification.

Dr. Peter K. Rogan Lab, Western University
No classification provided (evidence only). Condition: Uterine corpus endometrial carcinoma. Review status: no classification provided. Collection method: in vitro. Allele origin: not applicable. Functional consequence: retained intron. Not counted in ClinVar's aggregate classification.

Dr. Peter K. Rogan Lab, Western University
No classification provided (evidence only). Condition: Sarcoma. Review status: no classification provided. Collection method: in vitro. Allele origin: not applicable. Functional consequence: retained intron. Not counted in ClinVar's aggregate classification.

Dr. Peter K. Rogan Lab, Western University
No classification provided (evidence only). Condition: Thymoma. Review status: no classification provided. Collection method: in vitro. Allele origin: not applicable. Functional consequence: retained intron. Not counted in ClinVar's aggregate classification.

Dr. Peter K. Rogan Lab, Western University
No classification provided (evidence only). Condition: Ovarian serous cystadenocarcinoma. Review status: no classification provided. Collection method: in vitro. Allele origin: not applicable. Functional consequence: retained intron. Not counted in ClinVar's aggregate classification.

Dr. Peter K. Rogan Lab, Western University
No classification provided (evidence only). Condition: Ovarian serous cystadenocarcinoma. Review status: no classification provided. Collection method: in vitro. Allele origin: not applicable. Functional consequence: retained intron. Not counted in ClinVar's aggregate classification.

Dr. Peter K. Rogan Lab, Western University
No classification provided (evidence only). Condition: Ovarian serous cystadenocarcinoma. Review status: no classification provided. Collection method: in vitro. Allele origin: not applicable. Functional consequence: retained intron. Not counted in ClinVar's aggregate classification.

Dr. Peter K. Rogan Lab, Western University
No classification provided (evidence only). Condition: Uterine carcinosarcoma. Review status: no classification provided. Collection method: in vitro. Allele origin: not applicable. Functional consequence: retained intron. Not counted in ClinVar's aggregate classification.

Dr. Peter K. Rogan Lab, Western University
No classification provided (evidence only). Condition: Uterine carcinosarcoma. Review status: no classification provided. Collection method: in vitro. Allele origin: not applicable. Functional consequence: retained intron. Not counted in ClinVar's aggregate classification.

Dr. Peter K. Rogan Lab, Western University
No classification provided (evidence only). Condition: Malignant tumor of esophagus. Review status: no classification provided. Collection method: in vitro. Allele origin: not applicable. Functional consequence: retained intron. Not counted in ClinVar's aggregate classification.

Dr. Peter K. Rogan Lab, Western University
No classification provided (evidence only). Condition: Malignant tumor of esophagus. Review status: no classification provided. Collection method: in vitro. Allele origin: not applicable. Functional consequence: retained intron. Not counted in ClinVar's aggregate classification.

NM_024876.4(COQ8B):c.718-8C>G

Gene: COQ8B (coenzyme Q8B; minus strand). Cytogenetic location: 19q13.2.
Variant type: single nucleotide variant.
Coding change: c.718-8C>G on transcript NM_024876.4 (MANE Select); 8 bases into the intron before coding-DNA position 718, C replaced by G.
Molecular consequence: intron variant.
Genome position (GRCh38, 1-based): chr19:40,703,630, G>C on the plus strand (C>G on the coding strand, the complement: COQ8B is on the minus strand). VCF-style: chr19-40703630-G-C. GRCh37 (hg19) VCF-style: chr19-41209535-G-C.
Other names: p.?; c.595-8C>G (NM_001142555.3).
Identifiers: ClinVar variation 383901 (VCV000383901.15), dbSNP rs78137400, ClinGen allele CA9450302.